The following is an entry in ClinVar:

ClinVar aggregate classification (germline): not provided (0 of 4 stars; one submission).

Allele frequency attached by ClinVar (database versions not stated): gnomAD exomes 0.00003 and 0.00013; ExAC 0.00013; 1000 Genomes Project 30x 0.00016; 1000 Genomes Project 0.00020; gnomAD 0.00030 and 0.00034; ESP Exome Variant Server 0.00031; TOPMed 0.00037.
gnomAD v4.1: 100 of 1,579,670 alleles (0.0063%); highest among the groups gnomAD compares: African/African-American, 0.068%; no homozygotes.

Submission:

Human Evolutionary Genetics, Institut Pasteur
No classification provided. Review status: no classification provided. Collection method: not provided. Allele origin: germline.
ClinVar note: Converted during submission from untested to not provided.

NM_176810.2(NLRP13):c.319+45C>T

Gene: NLRP13 (NLR family pyrin domain containing 13; minus strand). Cytogenetic location: 19q13.43.
Variant type: single nucleotide variant.
Coding change: c.319+45C>T on transcript NM_176810.2 (MANE Select); 45 bases into the intron after coding-DNA position 319, C replaced by T.
Molecular consequence: intron variant.
Genome position (GRCh38, 1-based): chr19:55,931,948, G>A on the plus strand (C>T on the coding strand, the complement: NLRP13 is on the minus strand). VCF-style: chr19-55931948-G-A. GRCh37 (hg19) VCF-style: chr19-56443314-G-A.
Other names: c.319+45C>T (NM_001321057.1).
Identifiers: ClinVar variation 103317 (VCV000103317.2), dbSNP rs199476249, ClinGen allele CA230408.
Genomic context (GRCh38, chr19:55,931,948, plus strand): 5'-GGGGGAGATCGGCAGTGTGGAATGACCCCACAAAAACCCAGCGGCTACCTCCTTGCCTCA[G>A]GAGTACCAAGCAGCCCTCCCGCCTTCCTTCTTGAGGACTCTCACCTTTCATCTCGGCTCT-3'